The following is an entry in ClinVar:

ClinVar aggregate classification (germline): Uncertain significance (1 of 4 stars; one submission).

Allele frequency attached by ClinVar (database versions not stated): ExAC 0.00001; gnomAD exomes 0.00002; TOPMed 0.00002; gnomAD 0.00003.

Submission:

Labcorp Genetics (formerly Invitae), Labcorp
Classification: Uncertain significance. Last evaluated: 2025-11-10. Review status: criteria provided, single submitter. Criteria: Invitae Variant Classification Sherloc (09022015). Collection method: clinical testing. Allele origin: germline.
Comment: This sequence change replaces isoleucine, which is neutral and non-polar, with threonine, which is neutral and polar, at codon 2056 of the VPS13A protein (p.Ile2056Thr). This variant is present in population databases (rs745939294, gnomAD 0.005%). This variant has not been reported in the literature in individuals affected with VPS13A-related conditions. ClinVar contains an entry for this variant (Variation ID: 2162036). Invitae Evidence Modeling of protein sequence and biophysical properties (such as structural, functional, and spatial information, amino acid conservation, physicochemical variation, residue mobility, and thermodynamic stability) has been performed for this missense variant. However, the output from this modeling did not meet the statistical confidence thresholds required to predict the impact of this variant on VPS13A protein function. In summary, the available evidence is currently insufficient to determine the role of this variant in disease. Therefore, it has been classified as a Variant of Uncertain Significance.

NM_033305.3(VPS13A):c.6167T>C (p.Ile2056Thr)

Gene: VPS13A (vacuolar protein sorting 13 homolog A; plus strand). Cytogenetic location: 9q21.2.
Variant type: single nucleotide variant.
Coding change: c.6167T>C on transcript NM_033305.3 (MANE Select); coding-DNA position 6167, T replaced by C.
Protein change: p.Ile2056Thr; replaces isoleucine 2056 with threonine.
Molecular consequence: missense variant.
Genome position (GRCh38, 1-based): chr9:77,337,326, T>C. VCF-style: chr9-77337326-T-C. GRCh37 (hg19) VCF-style: chr9-79952242-T-C.
Other names: c.6050T>C, p.Ile2017Thr (NM_001018037.2); c.6167T>C, p.Ile2056Thr (NM_001018038.3, NM_015186.4); short protein forms I2056T, I2017T.
Identifiers: ClinVar variation 2162036 (VCV002162036.2), dbSNP rs745939294, ClinGen allele CA5092960.